The following is an entry in ClinVar:

ClinVar aggregate classification (germline): Pathogenic. Review status: criteria provided, multiple submitters, no conflicts (2 of 4 stars). 3 submissions from 3 submitters: Pathogenic (3). Last evaluated 2024-11-05.

Conditions:
Retinal dystrophy. Also called: Inherited retinal dystrophy. Identifiers: Orphanet 71862, MedGen C0854723, MeSH D058499, MONDO:0019118, HP:0000556.

Submissions (3):

Labcorp Genetics (formerly Invitae), Labcorp
Classification: Pathogenic. Last evaluated: 2024-11-05. Review status: criteria provided, single submitter. Criteria: Invitae Variant Classification Sherloc (09022015). Collection method: clinical testing. Allele origin: germline.
Comment: This sequence change creates a premature translational stop signal (p.Gln405*) in the CHM gene. It is expected to result in an absent or disrupted protein product. Loss-of-function variants in CHM are known to be pathogenic (PMID: 9067750, 23811034). This variant is not present in population databases (gnomAD no frequency). This premature translational stop signal has been observed in individual(s) with choroideremia (PMID: 32487042). ClinVar contains an entry for this variant (Variation ID: 372322). For these reasons, this variant has been classified as Pathogenic.

GeneDx
Classification: Pathogenic. Last evaluated: 2016-03-03. Review status: criteria provided, single submitter. Criteria: GeneDx Variant Classification (06012015). Collection method: clinical testing. Allele origin: germline. Affected: yes.
Comment: The Q405X nonsense variant in the CHM gene is predicted to cause loss of normal protein function either through protein truncation or nonsense-mediated mRNA decay. It was not observed in approximately 6,500 individuals of European and African American ancestry in the NHLBI Exome Sequencing Project, indicating it is not a common benign variant in these populations. Although this variant has not been reported previously to our knowledge, we interpret it as pathogenic.

Institute of Human Genetics, Univ. Regensburg, Univ. Regensburg
Classification: Pathogenic for Retinal dystrophy. Last evaluated: 2013-01-01. Review status: criteria provided, single submitter. Criteria: ACMG Guidelines, 2015. Collection method: clinical testing. Allele origin: germline. Affected: yes.

Literature cited by the submitters: PubMed 9067750 (cited by Labcorp Genetics (formerly Invitae), Labcorp); PubMed 23811034 (cited by Labcorp Genetics (formerly Invitae), Labcorp); PubMed 32487042 (cited by Labcorp Genetics (formerly Invitae), Labcorp); PubMed 31054281 (cited by Institute of Human Genetics, Univ. Regensburg, Univ. Regensburg).

NM_000390.4(CHM):c.1213C>T (p.Gln405Ter)

Gene: CHM (CHM Rab escort protein; minus strand). Cytogenetic location: Xq21.2.
Variant type: single nucleotide variant.
Coding change: c.1213C>T on transcript NM_000390.4 (MANE Select); coding-DNA position 1213, C replaced by T.
Protein change: p.Gln405Ter; replaces glutamine 405 with a stop codon.
Molecular consequence: nonsense.
Genome position (GRCh38, 1-based): chrX:85,911,292, G>A on the plus strand (C>T on the coding strand, the complement: CHM is on the minus strand). VCF-style: chrX-85911292-G-A. GRCh37 (hg19) VCF-style: chrX-85166297-G-A.
Other names: c.1213C>T (LRG_699t1); c.769C>T, p.Gln257Ter (NM_001320959.1, NM_001362517.1, NM_001362518.2 and 1 more transcripts); short protein forms Q405*, Q257*.
Identifiers: ClinVar variation 372322 (VCV000372322.8), dbSNP rs1057517715, ClinGen allele CA16043301.
Genomic context (GRCh38, chrX:85,911,292, plus strand): 5'-TATATGAAGGTTACTTATATCATCCTTACTTTCTGGATTCTTTGTCCACTACAAGGCACT[G>A]TACTGAATGGCGAAGACAATAAATTCCACCAAACACAGCACACATCCTAGAAAGAGAACA-3'